The following is an entry in ClinVar:

ClinVar aggregate classification (germline): Uncertain significance (1 of 4 stars; one submission).

Allele frequency attached by ClinVar (database versions not stated): ExAC 0.00001.

Submission:

Labcorp Genetics (formerly Invitae), Labcorp
Classification: Uncertain significance. Last evaluated: 2022-04-01. Review status: criteria provided, single submitter. Criteria: Invitae Variant Classification Sherloc (09022015). Collection method: clinical testing. Allele origin: germline.
Comment: In summary, the available evidence is currently insufficient to determine the role of this variant in disease. Therefore, it has been classified as a Variant of Uncertain Significance. This variant disrupts the p.Ala75 amino acid residue in FZD4. Other variant(s) that disrupt this residue have been observed in individuals with FZD4-related conditions (PMID: 27555740, 30452590), which suggests that this may be a clinically significant amino acid residue. Algorithms developed to predict the effect of missense changes on protein structure and function (SIFT, PolyPhen-2, Align-GVGD) all suggest that this variant is likely to be disruptive. This missense change has been observed in individual(s) with familial exudative vitreoretinopathy (PMID: 27555740). The frequency data for this variant in the population databases is considered unreliable, as metrics indicate poor data quality at this position in the gnomAD database. This sequence change replaces alanine, which is neutral and non-polar, with threonine, which is neutral and polar, at codon 75 of the FZD4 protein (p.Ala75Thr).

Literature cited by the submitters: PubMed 27555740; PubMed 30452590.

NM_012193.4(FZD4):c.223G>A (p.Ala75Thr)

Gene: FZD4 (frizzled class receptor 4; minus strand). Cytogenetic location: 11q14.2.
Variant type: single nucleotide variant.
Coding change: c.223G>A on transcript NM_012193.4 (MANE Select); coding-DNA position 223, G replaced by A.
Protein change: p.Ala75Thr; replaces alanine 75 with threonine.
Molecular consequence: missense variant.
Genome position (GRCh38, 1-based): chr11:86,954,863, C>T on the plus strand (G>A on the coding strand, the complement: FZD4 is on the minus strand). VCF-style: chr11-86954863-C-T. GRCh37 (hg19) VCF-style: chr11-86665905-C-T.
Other names: short protein forms A75T.
Identifiers: ClinVar variation 2137215 (VCV002137215.4), dbSNP rs764357846, ClinGen allele CA6218508.